The following is an entry in ClinVar:

NM_005342.4(HMGB3):c.576G>A (p.Glu192=)

Gene: HMGB3 (high mobility group box 3; plus strand). Cytogenetic location: Xq28.
Variant type: single nucleotide variant.
Coding change: c.576G>A on transcript NM_005342.4 (MANE Select); coding-DNA position 576, G replaced by A.
Protein change: p.Glu192=; no amino-acid change (glutamic acid 192 retained).
Molecular consequence: synonymous variant.
Genome position (GRCh38, 1-based): chrX:150,987,887, G>A. VCF-style: chrX-150987887-G-A. GRCh37 (hg19) VCF-style: chrX-150156360-G-A.
Other names: c.576G>A, p.Glu192= (NM_001301228.2, NM_001301229.2); c.636G>A, p.Glu212= (NM_001301231.2).
Identifiers: ClinVar variation 3043610 (VCV003043610.2), dbSNP rs782085206, ClinGen allele CA10540147.
Genomic context (GRCh38, chrX:150,987,887, plus strand): 5'-TGCTAAAGTTGCCCGGAAAAAGGTGGAAGAGGAAGATGAAGAAGAGGAGGAGGAAGAAGA[G>A]GAGGAGGAGGAGGAGGAGGATGAATAAAGAAACTGTTTATCTGTCTCCTTGTGAATACTT-3'
Protein context (NP_005333.2, residues 182-200): EEDEEEEEEE[Glu192=]EEEEEEDE

ClinVar aggregate classification (germline): Likely benign (0 of 4 stars; one submission).

Conditions:
HMGB3-related disorder. Also called: HMGB3-related condition.

Allele frequency attached by ClinVar (database versions not stated): gnomAD exomes 0.00003; ExAC 0.00006.
gnomAD v4.1: 24 of 981,252 alleles (0.0024%); highest among the groups gnomAD compares: Admixed American, 0.0049%; no homozygotes.

Submission:

PreventionGenetics, part of Exact Sciences
Classification: Likely benign for HMGB3-related condition. Last evaluated: 2019-06-18. Review status: no assertion criteria provided. Collection method: clinical testing. Allele origin: germline.
Comment: This variant is classified as likely benign based on ACMG/AMP sequence variant interpretation guidelines (Richards et al. 2015 PMID: 25741868, with internal and published modifications).